The following is an entry in ClinVar:

NM_000391.4(TPP1):c.688-4A>G

Gene: TPP1 (tripeptidyl peptidase 1; minus strand). Cytogenetic location: 11p15.4.
Variant type: single nucleotide variant.
Coding change: c.688-4A>G on transcript NM_000391.4 (MANE Select); 4 bases into the intron before coding-DNA position 688, A replaced by G.
Molecular consequence: intron variant.
Genome position (GRCh38, 1-based): chr11:6,616,863, T>C on the plus strand (A>G on the coding strand, the complement: TPP1 is on the minus strand). VCF-style: chr11-6616863-T-C. GRCh37 (hg19) VCF-style: chr11-6638094-T-C.
Identifiers: ClinVar variation 415294 (VCV000415294.14), dbSNP rs370683758, ClinGen allele CA5858853.

ClinVar aggregate classification (germline): Likely benign. Review status: criteria provided, multiple submitters, no conflicts (2 of 4 stars). 3 submissions from 3 submitters: Likely benign (3). Last evaluated 2026-05-06.

Conditions:
Inborn genetic diseases. Identifiers: MedGen C0950123, MeSH D030342.

Allele frequency attached by ClinVar (database versions not stated): gnomAD exomes 0.00001 and 0.00002; gnomAD 0.00003; TOPMed 0.00003; ESP Exome Variant Server 0.00008; ExAC 0.00001.
gnomAD v4.1: 14 of 1,613,752 alleles (0.00087%); highest among the groups gnomAD compares: African/African-American, 0.019%; 1 homozygote.

Submissions (3):

Ambry Genetics
Classification: Likely benign for Inborn genetic diseases. Last evaluated: 2026-05-06. Review status: criteria provided, single submitter. Criteria: Ambry Variant Classification Scheme 2023. Collection method: clinical testing. Allele origin: germline.

Labcorp Genetics (formerly Invitae), Labcorp
Classification: Likely benign. Last evaluated: 2025-12-16. Review status: criteria provided, single submitter. Criteria: Invitae Variant Classification Sherloc (09022015). Collection method: clinical testing. Allele origin: germline.

GeneDx
Classification: Likely benign. Last evaluated: 2017-07-31. Review status: criteria provided, single submitter. Criteria: GeneDx Variant Classification (06012015). Collection method: clinical testing. Allele origin: germline. Affected: yes.
Comment: This variant is considered likely benign or benign based on one or more of the following criteria: it is a conservative change, it occurs at a poorly conserved position in the protein, it is predicted to be benign by multiple in silico algorithms, and/or has population frequency not consistent with disease.